The following is an entry in ClinVar:

ClinVar aggregate classification (germline): Uncertain significance (0 of 4 stars; one submission).

Conditions:
PDE1C-related disorder. Also called: PDE1C-related condition.

Submission:

PreventionGenetics, part of Exact Sciences
Classification: Uncertain significance for PDE1C-related condition. Last evaluated: 2024-05-06. Review status: no assertion criteria provided. Collection method: clinical testing. Allele origin: germline.
Comment: The PDE1C c.75delG variant is predicted to result in a frameshift and premature protein termination (p.Ile27Serfs*8). To our knowledge, this variant has not been reported in the literature. This variant is reported in 0.0029% of alleles in individuals of Latino descent in gnomAD. At this time, the clinical significance of this variant is uncertain due to the absence of conclusive functional and genetic evidence.

NM_001191057.4(PDE1C):c.75del (p.Ile27fs)

Gene: PDE1C (phosphodiesterase 1C; minus strand). Cytogenetic location: 7p14.3.
Variant type: Deletion.
Coding change: c.75del on transcript NM_001191057.4 (MANE Select); coding-DNA position 75, one base deleted (G; older notation c.75delG).
Protein change: p.Ile27fs; shifts the reading frame from isoleucine 27.
Molecular consequence: frameshift variant. On other transcripts: intron variant (3).
Genome position (GRCh38, 1-based): chr7:32,070,319, C deleted on the plus strand (G on the coding strand, the reverse complement: PDE1C is on the minus strand). VCF-style (leftmost placement, unchanged base first): chr7-32070318-TC-T. GRCh37 (hg19) VCF-style: chr7-32109930-TC-T.
Other names: c.75del, p.Ile27fs (NM_001191056.3, NM_001191059.4, NM_001322055.2 and 3 more transcripts); c.308+99466del (NM_001191058.4, NM_001322058.2); c.533+99466del (NM_001322059.2); c.75delG (NM_001191056.3); short protein forms I27fs.
Identifiers: ClinVar variation 3346981 (VCV003346981.1).